The following is an entry in ClinVar:

NM_016507.4(CDK12):c.298C>A (p.Arg100Ser)

Genes: CDK12 (cyclin dependent kinase 12; plus strand), LOC126862553 (CDK7 strongly-dependent group 2 enhancer GRCh37_chr17:37618166-37619365; plus strand). Cytogenetic location: 17q12.
Variant type: single nucleotide variant.
Coding change: c.298C>A on transcript NM_016507.4 (MANE Select); coding-DNA position 298, C replaced by A.
Protein change: p.Arg100Ser; replaces arginine 100 with serine.
Molecular consequence: missense variant.
Genome position (GRCh38, 1-based): chr17:39,462,369, C>A. VCF-style: chr17-39462369-C-A. GRCh37 (hg19) VCF-style: chr17-37618622-C-A.
Other names: c.298C>A, p.Arg100Ser (NM_015083.4); short protein forms R100S.
Identifiers: ClinVar variation 4841685 (VCV004841685.1).

ClinVar aggregate classification (germline): Uncertain significance (1 of 4 stars; one submission).

gnomAD v4.1: 1 of 1,614,184 alleles (0.000062%); no homozygotes.

Submission:

Ambry Genetics
Classification: Uncertain significance. Last evaluated: 2025-12-23. Review status: criteria provided, single submitter. Criteria: Ambry Variant Classification Scheme 2023. Collection method: clinical testing. Allele origin: germline.
Comment: The p.R100S variant (also known as c.298C>A), located in coding exon 1 of the CDK12 gene, results from a C to A substitution at nucleotide position 298. The arginine at codon 100 is replaced by serine, an amino acid with dissimilar properties. This amino acid position is conserved. In addition, this alteration is predicted to be tolerated by in silico analysis. Based on the available evidence, the clinical significance of this variant remains unclear.